The following is an entry in ClinVar:

NM_016107.5(ZFR):c.1598CTG[1] (p.Ala534del)

Gene: ZFR (zinc finger RNA binding protein; minus strand). Cytogenetic location: 5p13.3.
Variant type: Microsatellite.
Coding change: c.1598CTG[1] on transcript NM_016107.5 (MANE Select); one copy of the 3-base unit CTG starting at c.1598; the reference has two copies in a row; one copy, 3 bases deleted.
Protein change: p.Ala534del; deletes alanine 534.
Molecular consequence: inframe deletion. On other transcripts: non-coding transcript variant (1).
Genome position (GRCh38, 1-based): chr5:32,400,117-32,400,119, CAG deleted on the plus strand (CTG on the coding strand, the reverse complement: ZFR is on the minus strand); deleting any 3 consecutive bases within chr5:32,400,117-32,400,122 gives the same sequence; the position shown is the placement nearest the transcript's 3' end. VCF-style (leftmost placement, unchanged base first): chr5-32400116-ACAG-A. GRCh37 (hg19) VCF-style: chr5-32400221-ACAG-A.
Other names: short protein forms A534del.
Identifiers: ClinVar variation 574834 (VCV000574834.9), dbSNP rs749212848, ClinGen allele CA3221780.

ClinVar aggregate classification (germline): Uncertain significance (1 of 4 stars; one submission).

Conditions:
Pure or complex autosomal recessive spastic paraplegia. Identifiers: Orphanet 320346, MedGen C5679887, MONDO:0017915.

Submission:

Labcorp Genetics (formerly Invitae), Labcorp
Classification: Uncertain significance for Pure or complex autosomal recessive spastic paraplegia. Last evaluated: 2018-03-13. Review status: criteria provided, single submitter. Criteria: Invitae Variant Classification Sherloc (09022015). Collection method: clinical testing. Allele origin: germline.
Comment: The frequency data for this variant in the population databases is considered unreliable, as metrics indicate poor data quality at this position in the ExAC database. This variant, c.1601_1603delCTG, results in the deletion of 1 amino acid of the ZFR protein (p.Ala534del), but otherwise preserves the integrity of the reading frame. This variant has not been reported in the literature in individuals with ZFR-related disease. In summary, the available evidence is currently insufficient to determine the role of this variant in disease. Therefore, it has been classified as a Variant of Uncertain Significance. Experimental studies and prediction algorithms are not available for this variant, and the functional significance of the deleted amino acid is currently unknown.